The following is an entry in ClinVar:

NM_001844.5(COL2A1):c.1458dup (p.Glu487Ter)

Gene: COL2A1 (collagen type II alpha 1 chain; minus strand). Cytogenetic location: 12q13.11.
Variant type: Duplication.
Coding change: c.1458dup on transcript NM_001844.5 (MANE Select); coding-DNA position 1458, one base duplicated (T; older notation c.1458dupT).
Protein change: p.Glu487Ter; replaces glutamic acid 487 with a stop codon.
Molecular consequence: nonsense.
Genome position (GRCh38, 1-based): chr12:47,986,405, A duplicated on the plus strand (T on the coding strand, the reverse complement: COL2A1 is on the minus strand). VCF-style (leftmost placement, unchanged base first): chr12-47986404-C-CA. GRCh37 (hg19) VCF-style: chr12-48380187-C-CA.
Other names: c.1251dup, p.Glu418Ter (NM_033150.3); short protein forms E487*, E418*.
Identifiers: ClinVar variation 4734309 (VCV004734309.1).

ClinVar aggregate classification (germline): Pathogenic (1 of 4 stars; one submission).

Submission:

Labcorp Genetics (formerly Invitae), Labcorp
Classification: Pathogenic. Last evaluated: 2026-01-04. Review status: criteria provided, single submitter. Criteria: Invitae Variant Classification Sherloc (09022015). Collection method: clinical testing. Allele origin: germline.
Comment: This sequence change creates a premature translational stop signal (p.Glu487*) in the COL2A1 gene. It is expected to result in an absent or disrupted protein product. Loss-of-function variants in COL2A1 are known to be pathogenic (PMID: 20179744). This variant is not present in population databases (gnomAD no frequency). This variant has not been reported in the literature in individuals affected with COL2A1-related conditions. For these reasons, this variant has been classified as Pathogenic.

Literature cited by the submitters: PubMed 20179744.